The following is an entry in ClinVar:

ClinVar aggregate classification (germline): Uncertain significance. Review status: criteria provided, multiple submitters, no conflicts (2 of 4 stars). 3 submissions from 3 submitters: Uncertain significance (3). Last evaluated 2025-01-20.

Conditions:
3M syndrome 2. Also called: 3-M Syndrome, OBSL1-Related; THREE M SYNDROME 2. Identifiers: Orphanet 2616, MedGen C2752041, MONDO:0013039, OMIM 612921.

Allele frequency attached by ClinVar (database versions not stated): gnomAD 0.00010 and 0.00011; gnomAD exomes 0.00012 and 0.00016; TOPMed 0.00012; ExAC 0.00016; ESP Exome Variant Server 0.00016.
gnomAD v4.1: 189 of 1,613,794 alleles (0.012%); highest among the groups gnomAD compares: Non-Finnish European, 0.013%; no homozygotes.

Submissions (3):

Labcorp Genetics (formerly Invitae), Labcorp
Classification: Uncertain significance. Last evaluated: 2025-01-20. Review status: criteria provided, single submitter. Criteria: Invitae Variant Classification Sherloc (09022015). Collection method: clinical testing. Allele origin: germline.
Comment: This sequence change replaces valine, which is neutral and non-polar, with methionine, which is neutral and non-polar, at codon 1429 of the OBSL1 protein (p.Val1429Met). This variant is present in population databases (rs375101491, gnomAD 0.03%), including at least one homozygous and/or hemizygous individual. This variant has not been reported in the literature in individuals affected with OBSL1-related conditions. ClinVar contains an entry for this variant (Variation ID: 334478). An algorithm developed to predict the effect of missense changes on protein structure and function (PolyPhen-2) suggests that this variant is likely to be disruptive. In summary, the available evidence is currently insufficient to determine the role of this variant in disease. Therefore, it has been classified as a Variant of Uncertain Significance.

Women's Health and Genetics/Laboratory Corporation of America, LabCorp
Classification: Uncertain significance. Last evaluated: 2023-01-26. Review status: criteria provided, single submitter. Criteria: LabCorp Variant Classification Summary - May 2015. Collection method: clinical testing. Allele origin: germline.
Comment: Variant summary: OBSL1 c.4285G>A (p.Val1429Met) results in a conservative amino acid change located in the Immunoglobulin subtype 2 domain of the encoded protein sequence. Four of five in-silico tools predict a benign effect of the variant on protein function. The variant allele was found at a frequency of 0.00016 in 249056 control chromosomes in the gnomAD database, including 1 homozygotes. This frequency is not significantly higher than expected for a pathogenic variant in OBSL1 causing Three M Syndrome 2 (0.00016 vs 0.0011), allowing no conclusion about variant significance. To our knowledge, no occurrence of c.4285G>A in individuals affected with Three M Syndrome 2 and no experimental evidence demonstrating its impact on protein function have been reported. Two clinical diagnostic laboratories have submitted clinical-significance assessments for this variant to ClinVar after 2014 without evidence for independent evaluation and classified the variant as uncertain significance. Based on the evidence outlined above, the variant was classified as uncertain significance.

Illumina Laboratory Services, Illumina
Classification: Uncertain significance for 3M syndrome 2. Last evaluated: 2018-01-12. Review status: criteria provided, single submitter. Criteria: ICSL Variant Classification Criteria 13 December 2019. Collection method: clinical testing. Allele origin: germline.

NM_015311.3(OBSL1):c.4285G>A (p.Val1429Met)

Gene: OBSL1 (obscurin like cytoskeletal adaptor 1; minus strand). Cytogenetic location: 2q35.
Variant type: single nucleotide variant.
Coding change: c.4285G>A on transcript NM_015311.3 (MANE Select); coding-DNA position 4285, G replaced by A.
Protein change: p.Val1429Met; replaces valine 1429 with methionine.
Molecular consequence: missense variant.
Genome position (GRCh38, 1-based): chr2:219,556,505, C>T on the plus strand (G>A on the coding strand, the complement: OBSL1 is on the minus strand). VCF-style: chr2-219556505-C-T. GRCh37 (hg19) VCF-style: chr2-220421227-C-T.
Other names: c.4285G>A, p.Val1429Met (NM_001173431.2); short protein forms V1429M.
Identifiers: ClinVar variation 334478 (VCV000334478.13), dbSNP rs375101491, ClinGen allele CA2130609.